The following is an entry in ClinVar:

NM_172351.3(CD46):c.286+2T>C

Gene: CD46 (CD46 molecule; plus strand). Cytogenetic location: 1q32.2.
Variant type: single nucleotide variant.
Coding change: c.286+2T>C on transcript NM_172351.3 (MANE Select); the canonical splice donor site of the intron after coding-DNA position 286, T replaced by C.
Molecular consequence: splice donor variant.
Genome position (GRCh38, 1-based): chr1:207,757,204, T>C. VCF-style: chr1-207757204-T-C. GRCh37 (hg19) VCF-style: chr1-207930549-T-C.
Other names: c.286+2T>C (NM_002389.4, NM_172359.3, NM_153826.4 and 8 more transcripts).
Identifiers: ClinVar variation 4291205 (VCV004291205.2).

ClinVar aggregate classification (germline): Conflicting classifications of pathogenicity. Review status: criteria provided, conflicting classifications (1 of 4 stars). 2 submissions from 2 submitters: Pathogenic, low penetrance (1); Uncertain significance (1). Last evaluated 2026-03-05.

Conditions:
Atypical hemolytic-uremic syndrome. Identifiers: Orphanet 2134, MedGen C2931788, MONDO:0016244.

gnomAD v4.1: 1 of 1,611,610 alleles (0.000062%); highest among the groups gnomAD compares: Non-Finnish European, 0.000085%; no homozygotes.

Submissions (2):

GeneDx
Classification: Uncertain significance. Last evaluated: 2026-03-05. Review status: criteria provided, single submitter. Criteria: GeneDx Variant Classification Process June 2021. Collection method: clinical testing. Allele origin: germline.
Comment: Not observed at significant frequency in large population cohorts (gnomAD); Canonical splice site variant with an unclear effect on protein function; This variant is associated with the following publications: (PMID: 37369098, 26559391)

Genomenon, Inc
Classification: Pathogenic, low penetrance for Atypical hemolytic-uremic syndrome. Last evaluated: 2025-10-02. Review status: criteria provided, single submitter. Criteria: Genomenon Sequence Variant Interpretation Standards. Collection method: curation. Allele origin: germline. Affected: yes.
Comment: CD46 c.286+2T>C is a canonical splice variant located in the donor splice region in intron 2. It is predicted to affect mRNA splicing, leading to a deleterious effect on the CD46 protein. This variant has been observed in at least one proband affected with atypical hemolytic-uremic syndrome (PMID:26559391). It is absent or not present at a significant frequency in gnomAD. In conclusion, we classify CD46 c.286+2T>C as a pathogenic variant.

Literature cited by the submitters: PubMed 26559391 (cited by Genomenon, Inc).